The following is an entry in ClinVar:

ClinVar aggregate classification (germline): Uncertain significance (1 of 4 stars; one submission).

Submission:

Labcorp Genetics (formerly Invitae), Labcorp
Classification: Uncertain significance. Last evaluated: 2021-06-09. Review status: criteria provided, single submitter. Criteria: Invitae Variant Classification Sherloc (09022015). Collection method: clinical testing. Allele origin: germline.
Comment: Algorithms developed to predict the effect of sequence changes on RNA splicing suggest that this variant may create or strengthen a splice site, but this prediction has not been confirmed by published transcriptional studies. This variant has not been reported in the literature in individuals with CDH2-related conditions. This variant is not present in population databases (ExAC no frequency). This sequence change falls in intron 5 of the CDH2 gene. It does not directly change the encoded amino acid sequence of the CDH2 protein. In summary, the available evidence is currently insufficient to determine the role of this variant in disease. Therefore, it has been classified as a Variant of Uncertain Significance.

NM_001792.5(CDH2):c.703-13A>G

Gene: CDH2 (cadherin 2; minus strand). Cytogenetic location: 18q12.1.
Variant type: single nucleotide variant.
Coding change: c.703-13A>G on transcript NM_001792.5 (MANE Select); 13 bases into the intron before coding-DNA position 703, A replaced by G.
Molecular consequence: intron variant.
Genome position (GRCh38, 1-based): chr18:28,006,006, T>C on the plus strand (A>G on the coding strand, the complement: CDH2 is on the minus strand). VCF-style: chr18-28006006-T-C. GRCh37 (hg19) VCF-style: chr18-25585970-T-C.
Other names: c.610-13A>G (NM_001308176.2).
Identifiers: ClinVar variation 1497528 (VCV001497528.8), dbSNP rs2144018038, ClinGen allele CA2573155164.
Genomic context (GRCh38, chr18:28,006,006, plus strand): 5'-GGGGTTCTCCACTTGATTTCCATTAATATCTACTGCATGTGCCCTCAACTGCAAAAGTAA[T>C]TAGAAAACAACTATTTAACAGATTTATGTCTGTGAGAAGATAAATACATCATCATAAGGC-3'